The following is an entry in ClinVar:

NM_024408.4(NOTCH2):c.4819C>A (p.Arg1607Ser)

Gene: NOTCH2 (notch receptor 2; minus strand). Cytogenetic location: 1p12.
Variant type: single nucleotide variant.
Coding change: c.4819C>A on transcript NM_024408.4 (MANE Select); coding-DNA position 4819, C replaced by A.
Protein change: p.Arg1607Ser; replaces arginine 1607 with serine.
Molecular consequence: missense variant.
Genome position (GRCh38, 1-based): chr1:119,923,677, G>T on the plus strand (C>A on the coding strand, the complement: NOTCH2 is on the minus strand). VCF-style: chr1-119923677-G-T. GRCh37 (hg19) VCF-style: chr1-120466300-G-T.
Other names: short protein forms R1607S.
Identifiers: ClinVar variation 2818322 (VCV002818322.3), dbSNP rs761870508, ClinGen allele CA1039796.

ClinVar aggregate classification (germline): Uncertain significance (1 of 4 stars; one submission).

Conditions:
Hajdu-Cheney syndrome (HJCYS). Also called: ACROOSTEOLYSIS WITH OSTEOPOROSIS AND CHANGES IN SKULL AND MANDIBLE; Acroosteolysis dominant type; SERPENTINE FIBULA-POLYCYSTIC KIDNEY SYNDROME. Identifiers: Orphanet 955, MedGen C0917715, MONDO:0007057, OMIM 102500.

Allele frequency attached by ClinVar (database versions not stated): ExAC 0.00001.
gnomAD v4.1: 7 of 1,614,040 alleles (0.00043%); highest among the groups gnomAD compares: South Asian, 0.0044%; no homozygotes.

Submission:

Labcorp Genetics (formerly Invitae), Labcorp
Classification: Uncertain significance for Hajdu-Cheney syndrome. Last evaluated: 2023-05-29. Review status: criteria provided, single submitter. Criteria: Invitae Variant Classification Sherloc (09022015). Collection method: clinical testing. Allele origin: germline.
Comment: This variant is present in population databases (rs761870508, gnomAD 0.003%). This variant has not been reported in the literature in individuals affected with NOTCH2-related conditions. Advanced modeling of protein sequence and biophysical properties (such as structural, functional, and spatial information, amino acid conservation, physicochemical variation, residue mobility, and thermodynamic stability) performed at Invitae indicates that this missense variant is not expected to disrupt NOTCH2 protein function. In summary, the available evidence is currently insufficient to determine the role of this variant in disease. Therefore, it has been classified as a Variant of Uncertain Significance. This sequence change replaces arginine, which is basic and polar, with serine, which is neutral and polar, at codon 1607 of the NOTCH2 protein (p.Arg1607Ser).